The following is an entry in ClinVar:

ClinVar aggregate classification (germline): Uncertain significance (1 of 4 stars; one submission).

Conditions:
Developmental and epileptic encephalopathy, 21 (DEE21). Also called: Early infantile epileptic encephalopathy 21. Identifiers: Orphanet 442835, MedGen C4014430, MONDO:0014360, OMIM 615833.

Submission:

Labcorp Genetics (formerly Invitae), Labcorp
Classification: Uncertain significance for Developmental and epileptic encephalopathy, 21. Last evaluated: 2021-11-01. Review status: criteria provided, single submitter. Criteria: Invitae Variant Classification Sherloc (09022015). Collection method: clinical testing. Allele origin: germline.
Comment: In summary, the available evidence is currently insufficient to determine the role of this variant in disease. Therefore, it has been classified as a Variant of Uncertain Significance. Algorithms developed to predict the effect of missense changes on protein structure and function are either unavailable or do not agree on the potential impact of this missense change (SIFT: "Not Available"; PolyPhen-2: "Probably Damaging"; Align-GVGD: "Not Available"). This variant has not been reported in the literature in individuals affected with NECAP1-related conditions. This variant is not present in population databases (gnomAD no frequency). This sequence change replaces aspartic acid, which is acidic and polar, with glycine, which is neutral and non-polar, at codon 150 of the NECAP1 protein (p.Asp150Gly).

NM_015509.4(NECAP1):c.449A>G (p.Asp150Gly)

Gene: NECAP1 (NECAP endocytosis associated 1; plus strand). Cytogenetic location: 12p13.31.
Variant type: single nucleotide variant.
Coding change: c.449A>G on transcript NM_015509.4 (MANE Select); coding-DNA position 449, A replaced by G.
Protein change: p.Asp150Gly; replaces aspartic acid 150 with glycine.
Molecular consequence: missense variant. On other transcripts: non-coding transcript variant (1).
Genome position (GRCh38, 1-based): chr12:8,092,741, A>G. VCF-style: chr12-8092741-A-G. GRCh37 (hg19) VCF-style: chr12-8245337-A-G.
Other names: short protein forms D150G.
Identifiers: ClinVar variation 1471310 (VCV001471310.6), dbSNP rs2120485644, ClinGen allele CA383799562.